The following is an entry in ClinVar:

NM_022765.4(MICAL1):c.2498C>T (p.Pro833Leu)

Gene: MICAL1 (microtubule associated monooxygenase, calponin and LIM domain containing 1; minus strand). Cytogenetic location: 6q21.
Variant type: single nucleotide variant.
Coding change: c.2498C>T on transcript NM_022765.4 (MANE Select); coding-DNA position 2498, C replaced by T.
Protein change: p.Pro833Leu; replaces proline 833 with leucine.
Molecular consequence: missense variant.
Genome position (GRCh38, 1-based): chr6:109,446,219, G>A on the plus strand (C>T on the coding strand, the complement: MICAL1 is on the minus strand). VCF-style: chr6-109446219-G-A. GRCh37 (hg19) VCF-style: chr6-109767422-G-A.
Other names: c.2240C>T, p.Pro747Leu (NM_001159291.2); c.2555C>T, p.Pro852Leu (NM_001286613.2); short protein forms P747L, P833L, P852L.
Identifiers: ClinVar variation 2761767 (VCV002761767.3), dbSNP rs751311459, ClinGen allele CA3952876.

ClinVar aggregate classification (germline): Uncertain significance (1 of 4 stars; one submission).

Allele frequency attached by ClinVar (database versions not stated): ExAC 0.00001.

Submission:

Labcorp Genetics (formerly Invitae), Labcorp
Classification: Uncertain significance. Last evaluated: 2023-09-19. Review status: criteria provided, single submitter. Criteria: Invitae Variant Classification Sherloc (09022015). Collection method: clinical testing. Allele origin: germline.
Comment: An algorithm developed to predict the effect of missense changes on protein structure and function (PolyPhen-2) suggests that this variant is likely to be disruptive. This variant has not been reported in the literature in individuals affected with MICAL1-related conditions. This variant is present in population databases (rs751311459, gnomAD no frequency). This sequence change replaces proline, which is neutral and non-polar, with leucine, which is neutral and non-polar, at codon 852 of the MICAL1 protein (p.Pro852Leu). In summary, the available evidence is currently insufficient to determine the role of this variant in disease. Therefore, it has been classified as a Variant of Uncertain Significance.